The following is an entry in ClinVar:

NM_000277.3(PAH):c.168+5G>C

Gene: PAH (phenylalanine hydroxylase; minus strand). Cytogenetic location: 12q23.2.
Variant type: single nucleotide variant.
Coding change: c.168+5G>C on transcript NM_000277.3 (MANE Select); 5 bases into the intron after coding-DNA position 168, G replaced by C.
Molecular consequence: intron variant.
Genome position (GRCh38, 1-based): chr12:102,912,786, C>G on the plus strand (G>C on the coding strand, the complement: PAH is on the minus strand). VCF-style: chr12-102912786-C-G. GRCh37 (hg19) VCF-style: chr12-103306564-C-G.
Other names: c.168+5G>C (NM_001354304.2, NM_000277.2).
Identifiers: ClinVar variation 102606 (VCV000102606.74), dbSNP rs62507288, ClinGen allele CA229454.
Genomic context (GRCh38, chr12:102,912,786, plus strand): 5'-AACTAGAAAAGAACATGGAAGTTTGCTACGACATTATCCAAGACAAACATGATTGTAGCA[C>G]TGACCTCAAATAAGCGCAATACTTTGGCCAATGCACCAACTTCTTCTTTGAGTGAGAAGA-3'

ClinVar aggregate classification (germline): Pathogenic/Likely pathogenic. Review status: criteria provided, multiple submitters, no conflicts (2 of 4 stars). 16 submissions from 16 submitters: Pathogenic (13); Likely pathogenic (1). 2 of the submissions do not count toward it. Last evaluated 2026-01-28.

Conditions:
Phenylketonuria (PKU). Also called: Phenylketonurias; OLIGOPHRENIA PHENYLPYRUVICA; FOLLING DISEASE; Phenylketonuria (PKU). Identifiers: Orphanet 716, MedGen C0031485, MONDO:0009861, OMIM 261600. Disease mechanism: loss of function.
Hyperphenylalaninemia. Also called: Hyperphenylalaninemia (HPA); Hyperphenylalaninaemia; Hyperphenylalaninemia, non-pku. Identifiers: MedGen C0751435, HP:0004923.

Allele frequency attached by ClinVar (database versions not stated): TOPMed 0.00002; gnomAD 0.00003; ExAC 0.00004; gnomAD exomes 0.00005.
gnomAD v4.1: 26 of 1,589,800 alleles (0.0016%); highest among the groups gnomAD compares: Non-Finnish European, 0.0017%; no homozygotes.

Submissions (16):

Natera, Inc.
Classification: Pathogenic for Phenylketonuria. Last evaluated: 2026-01-28. Review status: criteria provided, single submitter. Criteria: Natera Variant Classification Schema (03/2026). Collection method: clinical testing. Allele origin: germline.
Comment: The c.168+5G>C variant in PAH is an intronic variant located outside the canonical splice sites. This variant is rare in the general population with a frequency below the threshold expected for the associated phenotype(s). This variant has been observed in one or more individuals affected with the associated recessive disease, as either homozygous or compound heterozygous with a second variant (PMID: 23764561). Computational prediction algorithms indicate this variant is likely to affect gene or protein function. Given the available evidence, this variant is classified as Pathogenic.

3billion
Classification: Pathogenic for Phenylketonuria. Last evaluated: 2025-10-01. Review status: criteria provided, single submitter. Criteria: ACMG Guidelines, 2015. Collection method: clinical testing. Allele origin: germline. Affected: yes.
Comment: The variant is observed at an extremely low frequency in the gnomAD v4.1.0 dataset (total allele frequency: <0.001%). Predicted Consequence/Location: Intron variant In silico tools predict the variant to alter splicing and produce an abnormal transcript [SpliceAI: 0.79 (>=0.2, moderate evidence for spliceogenicity)]. The variant has been reported to be in trans with a pathogenic variant as either compound heterozygous or homozygous in at least one similarly affected unrelated individual (PMID: 29499199). The variant has been reported multiple times as an established pathogenic variant (ClinVar ID: VCV000102508 /PMID: 21154324). Therefore, this variant is classified as Pathogenic according to the recommendation of ACMG/AMP guideline.

Labcorp Genetics (formerly Invitae), Labcorp
Classification: Pathogenic for Phenylketonuria. Last evaluated: 2025-10-01. Review status: criteria provided, single submitter. Criteria: Invitae Variant Classification Sherloc (09022015). Collection method: clinical testing. Allele origin: germline.
Comment: This sequence change falls in intron 2 of the PAH gene. It does not directly change the encoded amino acid sequence of the PAH protein. It affects a nucleotide within the consensus splice site. This variant is present in population databases (rs62507288, gnomAD 0.007%). This variant has been observed in individuals with hyperphenylalaninemia or phenylketonuria (PMID: 8364593, 21890392, 22330942, 22526846). ClinVar contains an entry for this variant (Variation ID: 102606). Variants that disrupt the consensus splice site are a relatively common cause of aberrant splicing (PMID: 17576681, 9536098). Algorithms developed to predict the effect of sequence changes on RNA splicing suggest that this variant may disrupt the consensus splice site. For these reasons, this variant has been classified as Pathogenic.

Dasa
Classification: Pathogenic. Last evaluated: 2025-09-26. Review status: criteria provided, single submitter. Criteria: DASA Assertion Criteria. Collection method: clinical testing. Allele origin: germline.
Comment: NM_000277.3(PAH):c.168+5G>C is a splice-region variant predicted to affect normal RNA splicing. This variant has been observed in affected individuals with related phenotype in a genotype context consistent with recessive disease (PMID: 8364593; PMID: 33465300; PMID: 28676969; PMID: 30747360). This variant has been recurrently observed in individuals with related phenotype (PMID: 8364593; PMID: 33465300; PMID: 28676969; PMID: 30747360). Multiple computational predictions support a deleterious effect on the gene or gene product. The variant is present at low frequency in population datasets. Based on the available data, this variant is classified as pathogenic.

Dubai Health Genomic Medicine Center, Dubai Health
Classification: Pathogenic for Hyperphenylalaninemia. Last evaluated: 2024-10-04. Review status: criteria provided, single submitter. Criteria: ACMG Guidelines, 2015. Collection method: research. Allele origin: germline. Affected: yes.
Comment: PM2, PP3, PM3, PP4_Moderate

GeneDx
Classification: Pathogenic. Last evaluated: 2024-09-09. Review status: criteria provided, single submitter. Criteria: GeneDx Variant Classification Process June 2021. Collection method: clinical testing. Allele origin: germline. Affected: yes.
Comment: Intronic +5 splice site variant in a gene for which loss of function is a known mechanism of disease, and both splice predictors and evolutionary conservation support a deleterious effect, although in the absence of functional evidence the actual effect of this sequence change is unknown; Not observed at significant frequency in large population cohorts (gnomAD); This variant is associated with the following publications: (PMID: 26589311, 26481238, 8364593, 29499199, 21890392, 20082265, 26666653, 25525159, 22330942, 24048906, 20920871, 26413448, 27469133, 25894915, 17096675, 24516753, 28676969, 23430918, 23842451, 22513348, 22526846, 26600521, 23856132, 34426522, 31589614, 32778825, 33465300, 34738359, 35405047, 33101986, 34828281, 36646061, 37189584, 30747360, 17935162)

Genomic Medicine Center of Excellence, King Faisal Specialist Hospital and Research Centre
Classification: Pathogenic for Phenylketonuria. Last evaluated: 2024-03-26. Review status: criteria provided, single submitter. Criteria: ACMG Guidelines, 2015. Collection method: clinical testing. Allele origin: germline.

Laboratory for Molecular Medicine, Mass General Brigham Personalized Medicine
Classification: Pathogenic for Phenylketonuria. Last evaluated: 2022-08-26. Review status: criteria provided, single submitter. Criteria: ACMG Guidelines, 2015. Collection method: clinical testing. Allele origin: germline.
Comment: The c.168+5G>C (IVS2+5G>C) variant in PAH has been reported in at least 44 individuals with phenylalanine hydroxylase deficiency/phenylketonuria (PKU)/hyperphenylalaninemia (HPA) (Zygulska 1993 PMID: 8364593, Zare-Karizi 2011 PMID: 20920871, Sterl 2013 PMID: 22526846, Santos 2010 PMID: 20082265, Muras 2013 PMID: 23856132, Georgiou 2012 PMID: 22330942, Ferreira 2021 PMID: 33465300, Alibakhshi 2014 PMID: 24048906), including at least 20 homozygous individuals and 24 compound heterozygous individuals for a second pathogenic variant in PAH. It has been identified in 0.00006% of NFE chromosomes by gnomAD. This variant has also been reported in ClinVar (Variation ID: 102606). This variant is located just outside of the concensus splice sequence and computational splice prediction tools predict a splicing impact, though this information is not predictive enough to determine/rule out pathogenicity. This variant occurs in intron 2 of PAH where additional pathogenic variants have been identifed, including at the same base pair (c.168+5G>A, c.168+5G>T). In summary, c.168+5G>C (IVS2+2G>C ) meets the criteria to be classified as pathogenic for autosomal recessive PKU. ACMG/AMP criteria applied: PM3_VeryStrong, PM2_Supporting, PP3.

CeGaT Center for Human Genetics Tuebingen
Classification: Pathogenic. Last evaluated: 2019-11-01. Review status: criteria provided, single submitter. Criteria: CeGaT Center For Human Genetics Tuebingen Variant Classification Criteria Version 2. Collection method: clinical testing. Allele origin: germline. Affected: yes. Observed: 1 variant allele.

Mendelics
Classification: Pathogenic for Phenylketonuria. Last evaluated: 2019-05-28. Review status: criteria provided, single submitter. Criteria: Mendelics Assertion Criteria 2017. Collection method: clinical testing. Allele origin: unknown.

Women's Health and Genetics/Laboratory Corporation of America, LabCorp
Classification: Pathogenic for Phenylketonuria. Last evaluated: 2018-04-06. Review status: criteria provided, single submitter. Criteria: LabCorp Variant Classification Summary - May 2015. Collection method: clinical testing. Allele origin: germline.
Comment: Variant summary: PAH c.168+5G>C alters a non-conserved nucleotide located close to a canonical splice site and therefore could affect mRNA splicing, leading to a significantly altered protein sequence. Several computational tools predict a significant impact on normal splicing: Three predict the variant weakens a 5' donor site. One predicts the variant abolishes a 5' splicing donor site. However, these predictions have yet to be confirmed by functional studies. The variant allele was found at a frequency of 4.1e-05 in 121372 control chromosomes. This frequency is not higher than expected for a pathogenic variant in PAH causing Phenylalanine Hydroxylase Deficiency (Phenylketonuria) (4.1e-05 vs 0.0079), allowing no conclusion about variant significance. c.168+5G>C has been reported in the literature in multiple individuals affected with Phenylalanine Hydroxylase Deficiency (Phenylketonuria), including numerous homozygous patients. These data indicate that the variant is very likely to be associated with disease. In addition, two overlapping variants (c.168+5G>T and c.168+5G>A) have been reported in patients, suggesting any change to this nucleotide may result in disease. To our knowledge, no experimental evidence demonstrating an impact on protein function has been reported. Two clinical diagnostic laboratories have submitted clinical-significance assessments for this variant to ClinVar after 2014, and both classified the variant as pathogenic. Based on the evidence outlined above, the variant was classified as pathogenic.

Eurofins Ntd Llc (ga)
Classification: Pathogenic. Last evaluated: 2015-12-22. Review status: criteria provided, single submitter. Criteria: EGL Classification Definitions 2015. Collection method: clinical testing. Allele origin: germline. Observed: 3 variant alleles, 3 heterozygotes.

Juno Genomics, Hangzhou Juno Genomics, Inc
Classification: Pathogenic for Phenylketonuria. Review status: criteria provided, single submitter. Criteria: ACMG Guidelines, 2015. Collection method: clinical testing. Allele origin: germline.
Comment: Absent from controls (or at extremely low frequency if recessive) in Genome Aggregation Database.;Multiple lines of computational evidence support a deleterious effect on the gene or gene product.;For recessive disorders, detected in trans with a pathogenic variant.

Kariminejad - Najmabadi Pathology & Genetics Center
Classification: Likely pathogenic for Phenylketonuria. Review status: criteria provided, single submitter. Criteria: ACMG Guidelines, 2015. Collection method: clinical testing. Allele origin: germline. Affected: no.

Counsyl
Classification: Pathogenic for Phenylketonuria. Last evaluated: 2017-02-01. Review status: no assertion criteria provided. Collection method: clinical testing. Allele origin: unknown. Not counted in ClinVar's aggregate classification.

DeBelle Laboratory for Biochemical Genetics, MUHC/MCH RESEARCH INSTITUTE
No classification provided. Review status: no classification provided. Collection method: not provided. Allele origin: not provided. Not counted in ClinVar's aggregate classification.

Literature cited by the submitters: PubMed 23764561 (cited by Natera, Inc.); PubMed 8364593 (cited by 3 submitters); PubMed 26481238 (cited by 3billion); PubMed 21890392 (cited by Labcorp Genetics (formerly Invitae), Labcorp); PubMed 22330942 (cited by Labcorp Genetics (formerly Invitae), Labcorp); PubMed 22526846 (cited by Labcorp Genetics (formerly Invitae), Labcorp and Counsyl); PubMed 17576681 (cited by Labcorp Genetics (formerly Invitae), Labcorp); PubMed 9536098 (cited by Labcorp Genetics (formerly Invitae), Labcorp); PubMed 33465300 (cited by Dasa); PubMed 28676969 (cited by Dasa); PubMed 30747360 (cited by Dasa); PubMed 20920871 (cited by Women's Health and Genetics/Laboratory Corporation of America, LabCorp); PubMed 23856132 (cited by Women's Health and Genetics/Laboratory Corporation of America, LabCorp); PubMed 20082265 (cited by Women's Health and Genetics/Laboratory Corporation of America, LabCorp); PubMed 26666653 (cited by Counsyl); PubMed 26600521 (cited by Counsyl); PubMed 24048906 (cited by Counsyl).